The following is an entry in ClinVar:

NM_021072.4(HCN1):c.1190T>A (p.Ile397Asn)

Gene: HCN1 (hyperpolarization activated cyclic nucleotide gated potassium channel 1; minus strand). Cytogenetic location: 5p12.
Variant type: single nucleotide variant.
Coding change: c.1190T>A on transcript NM_021072.4 (MANE Select); coding-DNA position 1190, T replaced by A.
Protein change: p.Ile397Asn; replaces isoleucine 397 with asparagine.
Molecular consequence: missense variant.
Genome position (GRCh38, 1-based): chr5:45,396,532, A>T on the plus strand (T>A on the coding strand, the complement: HCN1 is on the minus strand). VCF-style: chr5-45396532-A-T. GRCh37 (hg19) VCF-style: chr5-45396634-A-T.
Other names: short protein forms I397N.
Identifiers: ClinVar variation 3023856 (VCV003023856.3), dbSNP rs2112040625, ClinGen allele CA359705226.
Genomic context (GRCh38, chr5:45,396,532, plus strand): 5'-CGATAAATAAAACAAATTACCTTCTCTTGATACTGCCGCCTCGAAGAATCCAGAGACTGG[A>T]TTAAAGCGGTGGCATGGCCGACAAACATGGCATAGCAGGTGGCCCCGACGATCATGCTCA-3'
Protein context (NP_066550.2, residues 387-407): AMFVGHATAL[Ile397Asn]QSLDSSRRQY

ClinVar aggregate classification (germline): Uncertain significance (1 of 4 stars; one submission).

Conditions:
Early-infantile DEE. Also called: Early infantile epileptic encephalopathy with suppression bursts; Early infantile epileptic encephalopathy; Ohtahara syndrome. Identifiers: Orphanet 1934, MedGen C0393706, MONDO:0800491.

Submission:

Labcorp Genetics (formerly Invitae), Labcorp
Classification: Uncertain significance for Early-infantile DEE. Last evaluated: 2023-09-27. Review status: criteria provided, single submitter. Criteria: Invitae Variant Classification Sherloc (09022015). Collection method: clinical testing. Allele origin: germline.
Comment: This sequence change replaces isoleucine, which is neutral and non-polar, with asparagine, which is neutral and polar, at codon 397 of the HCN1 protein (p.Ile397Asn). This variant is not present in population databases (gnomAD no frequency). This variant has not been reported in the literature in individuals affected with HCN1-related conditions. Advanced modeling of protein sequence and biophysical properties (such as structural, functional, and spatial information, amino acid conservation, physicochemical variation, residue mobility, and thermodynamic stability) performed at Invitae indicates that this missense variant is expected to disrupt HCN1 protein function. This variant disrupts the p.Ile397 amino acid residue in HCN1. Other variant(s) that disrupt this residue have been determined to be pathogenic (PMID: 30351409). This suggests that this residue is clinically significant, and that variants that disrupt this residue are likely to be disease-causing. In summary, the available evidence is currently insufficient to determine the role of this variant in disease. Therefore, it has been classified as a Variant of Uncertain Significance.

Literature cited by the submitters: PubMed 30351409.